The following is an entry in ClinVar:

NM_001127222.2(CACNA1A):c.1862del (p.Phe621fs)

Gene: CACNA1A (calcium voltage-gated channel subunit alpha1 A; minus strand). Cytogenetic location: 19p13.13.
Variant type: Deletion.
Coding change: c.1862del on transcript NM_001127222.2 (MANE Select); coding-DNA position 1862, one base deleted (T; older notation c.1862delT).
Protein change: p.Phe621fs; shifts the reading frame from phenylalanine 621.
Molecular consequence: frameshift variant.
Genome position (GRCh38, 1-based): chr19:13,308,171, A deleted on the plus strand (T on the coding strand, the reverse complement: CACNA1A is on the minus strand); the first of 4 consecutive A bases (chr19:13,308,171-13,308,174); deleting any one gives the same sequence. VCF-style (leftmost placement, unchanged base first): chr19-13308170-GA-G. GRCh37 (hg19) VCF-style: chr19-13418984-GA-G.
Other names: c.1865del, p.Phe622fs (NM_000068.4, NM_001127221.2, NM_001174080.2 and 1 more transcripts); short protein forms F621fs, F622fs.
Identifiers: ClinVar variation 3338088 (VCV003338088.1).

ClinVar aggregate classification (germline): Likely pathogenic (0 of 4 stars; one submission).

Conditions:
Developmental and epileptic encephalopathy, 42 (DEE42A). Also called: DEVELOPMENTAL AND EPILEPTIC ENCEPHALOPATHY 42A; EPILEPTIC ENCEPHALOPATHY, EARLY INFANTILE, 42A; Epileptic encephalopathy, early infantile, 42. Identifiers: MedGen C4310716, MONDO:0014917, OMIM 617106.

Submission:

Solve-RD Consortium
Classification: Likely pathogenic for Developmental and epileptic encephalopathy, 42. Last evaluated: 2022-06-01. Review status: no assertion criteria provided. Collection method: provider interpretation. Allele origin: inherited. Affected: yes.
Comment: Variant confirmed as disease-causing by referring clinical team

Variant identified during reanalysis of unsolved cases by the Solve-RD project. The Solve-RD project has received funding from the European Union’s Horizon 2020 research and innovation programme under grant agreement No 779257.

Literature cited by the submitters: PubMed 39825153.